The following is an entry in ClinVar:

ClinVar aggregate classification (germline): Uncertain significance (1 of 4 stars; one submission).

Conditions:
Hereditary cancer-predisposing syndrome. Also called: Neoplastic Syndromes, Hereditary; Tumor predisposition; Hereditary neoplastic syndrome; Hereditary Cancer Syndrome. Identifiers: Orphanet 140162, MedGen C0027672, MeSH D009386, MONDO:0015356.

Submission:

Ambry Genetics
Classification: Uncertain significance for Hereditary cancer-predisposing syndrome. Last evaluated: 2026-07-27. Review status: criteria provided, single submitter. Criteria: Ambry Variant Classification Scheme 2023. Collection method: clinical testing. Allele origin: germline.
Comment: The p.D1180G variant (also known as c.3539A>G), located in coding exon 19 of the BRIP1 gene, results from an A to G substitution at nucleotide position 3539. The aspartic acid at codon 1180 is replaced by glycine, an amino acid with similar properties. This amino acid position is conserved. In addition, this alteration is predicted to be tolerated by in silico analysis. Based on the available evidence, the clinical significance of this variant remains unclear.

NM_032043.3(BRIP1):c.3539A>G (p.Asp1180Gly)

Gene: BRIP1 (BRCA1 interacting DNA helicase 1; minus strand). Cytogenetic location: 17q23.2.
Variant type: single nucleotide variant.
Coding change: c.3539A>G on transcript NM_032043.3 (MANE Select); coding-DNA position 3539, A replaced by G.
Protein change: p.Asp1180Gly; replaces aspartic acid 1180 with glycine.
Molecular consequence: missense variant.
Genome position (GRCh38, 1-based): chr17:61,683,507, T>C on the plus strand (A>G on the coding strand, the complement: BRIP1 is on the minus strand). VCF-style: chr17-61683507-T-C. GRCh37 (hg19) VCF-style: chr17-59760868-T-C.
Other names: short protein forms D1180G.
Identifiers: ClinVar variation 5033382 (VCV005033382.1).